The following is an entry in ClinVar:

NM_001001331.4(ATP2B2):c.3599C>T (p.Ser1200Leu)

Gene: ATP2B2 (ATPase plasma membrane Ca2+ transporting 2; minus strand). Cytogenetic location: 3p25.3.
Variant type: single nucleotide variant.
Coding change: c.3599C>T on transcript NM_001001331.4 (MANE Select); coding-DNA position 3599, C replaced by T.
Protein change: p.Ser1200Leu; replaces serine 1200 with leucine.
Molecular consequence: missense variant. On other transcripts: 3 prime UTR variant (2).
Genome position (GRCh38, 1-based): chr3:10,328,947, G>A on the plus strand (C>T on the coding strand, the complement: ATP2B2 is on the minus strand). VCF-style: chr3-10328947-G-A. GRCh37 (hg19) VCF-style: chr3-10370631-G-A.
Other names: c.*226C>T (NM_001330611.3); c.3464C>T, p.Ser1155Leu (NM_001353564.1, NM_001683.5); c.*153C>T (NM_001363862.1); short protein forms S1155L, S1200L.
Identifiers: ClinVar variation 2572199 (VCV002572199.2), dbSNP rs1426967358, ClinGen allele CA351773162.

ClinVar aggregate classification (germline): Uncertain significance. Review status: criteria provided, multiple submitters, no conflicts (2 of 4 stars). 2 submissions from 2 submitters: Uncertain significance (2). Last evaluated 2025-02-02.

Allele frequency attached by ClinVar (database versions not stated): TOPMed below 0.00001; gnomAD 0.00001.
gnomAD v4.1: 2 of 1,613,796 alleles (0.00012%); highest among the groups gnomAD compares: Non-Finnish European, 0.00017%; no homozygotes.

Submissions (2):

Labcorp Genetics (formerly Invitae), Labcorp
Classification: Uncertain significance. Last evaluated: 2025-02-02. Review status: criteria provided, single submitter. Criteria: Invitae Variant Classification Sherloc (09022015). Collection method: clinical testing. Allele origin: germline.
Comment: This sequence change replaces serine, which is neutral and polar, with leucine, which is neutral and non-polar, at codon 1155 of the ATP2B2 protein (p.Ser1155Leu). This variant is present in population databases (no rsID available, gnomAD 0.007%). This variant has not been reported in the literature in individuals affected with ATP2B2-related conditions. ClinVar contains an entry for this variant (Variation ID: 2572199). Invitae Evidence Modeling of protein sequence and biophysical properties (such as structural, functional, and spatial information, amino acid conservation, physicochemical variation, residue mobility, and thermodynamic stability) indicates that this missense variant is not expected to disrupt ATP2B2 protein function with a negative predictive value of 95%. In summary, the available evidence is currently insufficient to determine the role of this variant in disease. Therefore, it has been classified as a Variant of Uncertain Significance.

Greenwood Genetic Center Diagnostic Laboratories, Greenwood Genetic Center
Classification: Uncertain significance. Last evaluated: 2023-05-09. Review status: criteria provided, single submitter. Criteria: ACMG Guidelines, 2015. Collection method: clinical testing. Allele origin: germline. Affected: yes.
Comment: PM2, BP4, PP2